The following is an entry in ClinVar:

NM_020999.4(NEUROG3):c.499G>A (p.Gly167Arg)

Gene: NEUROG3 (neurogenin 3; minus strand). Cytogenetic location: 10q22.1.
Variant type: single nucleotide variant.
Coding change: c.499G>A on transcript NM_020999.4 (MANE Select); coding-DNA position 499, G replaced by A.
Protein change: p.Gly167Arg; replaces glycine 167 with arginine.
Molecular consequence: missense variant.
Genome position (GRCh38, 1-based): chr10:69,572,545, C>T on the plus strand (G>A on the coding strand, the complement: NEUROG3 is on the minus strand). VCF-style: chr10-69572545-C-T. GRCh37 (hg19) VCF-style: chr10-71332301-C-T.
Other names: short protein forms G167R.
Identifiers: ClinVar variation 129764 (VCV000129764.19), dbSNP rs41277236, ClinGen allele CA154057.

ClinVar aggregate classification (germline): Benign/Likely benign. Review status: criteria provided, multiple submitters, no conflicts (2 of 4 stars). 5 submissions from 5 submitters: Benign (4); Likely benign (1). Last evaluated 2026-02-04.

Allele frequency attached by ClinVar (database versions not stated): 1000 Genomes Project 30x 0.02514; 1000 Genomes Project 0.02596; gnomAD 0.03257 and 0.03325; ESP Exome Variant Server 0.03334; TOPMed 0.03435; gnomAD exomes 0.03729 and 0.04319; ExAC 0.05359.

Submissions (5):

Labcorp Genetics (formerly Invitae), Labcorp
Classification: Benign. Last evaluated: 2026-02-04. Review status: criteria provided, single submitter. Criteria: Invitae Variant Classification Sherloc (09022015). Collection method: clinical testing. Allele origin: germline.

Blueprint Genetics
Classification: Likely benign. Last evaluated: 2024-11-27. Review status: criteria provided, single submitter. Criteria: ACMG Guidelines, 2015. Collection method: clinical testing. Allele origin: germline.

Laboratory for Molecular Medicine, Mass General Brigham Personalized Medicine
Classification: Benign. Last evaluated: 2016-03-29. Review status: criteria provided, single submitter. Criteria: LMM Criteria. Collection method: clinical testing. Allele origin: germline.
Comment: Variant identified in a genome or exome case(s) and assessed due to predicted null impact of the variant or pathogenic assertions in the literature or databases. Disclaimer: This variant has not undergone full assessment. The following are preliminary notes: Frequency

Genetic Services Laboratory, University of Chicago
Classification: Benign for AllHighlyPenetrant. Last evaluated: 2013-03-27. Review status: criteria provided, single submitter. Criteria: ACMG Guidelines, 2007. Collection method: clinical testing. Allele origin: germline. Inheritance: Autosomal recessive inheritance.

Breakthrough Genomics
Classification: Benign. Review status: criteria provided, single submitter. Criteria: ACMG Guidelines, 2015. Collection method: not provided. Allele origin: germline. Inheritance: Autosomal recessive inheritance. Affected: yes.